The following is an entry in ClinVar:

ClinVar aggregate classification (germline): Uncertain significance (1 of 4 stars; one submission).

Conditions:
Hereditary cancer-predisposing syndrome. Also called: Hereditary neoplastic syndrome; Tumor predisposition; Hereditary Cancer Syndrome; Neoplastic Syndromes, Hereditary. Identifiers: Orphanet 140162, MedGen C0027672, MeSH D009386, MONDO:0015356.

Submission:

Ambry Genetics
Classification: Uncertain significance for Hereditary cancer-predisposing syndrome. Last evaluated: 2023-06-24. Review status: criteria provided, single submitter. Criteria: Ambry Variant Classification Scheme 2023. Collection method: clinical testing. Allele origin: germline.
Comment: The p.E636V variant (also known as c.1907A>T), located in coding exon 12 of the BRIP1 gene, results from an A to T substitution at nucleotide position 1907. The glutamic acid at codon 636 is replaced by valine, an amino acid with dissimilar properties. This amino acid position is conserved. In addition, this alteration is predicted to be deleterious by in silico analysis. Since supporting evidence is limited at this time, the clinical significance of this alteration remains unclear.

NM_032043.3(BRIP1):c.1907A>T (p.Glu636Val)

Gene: BRIP1 (BRCA1 interacting DNA helicase 1; minus strand). Cytogenetic location: 17q23.2.
Variant type: single nucleotide variant.
Coding change: c.1907A>T on transcript NM_032043.3 (MANE Select); coding-DNA position 1907, A replaced by T.
Protein change: p.Glu636Val; replaces glutamic acid 636 with valine.
Molecular consequence: missense variant.
Genome position (GRCh38, 1-based): chr17:61,780,289, T>A on the plus strand (A>T on the coding strand, the complement: BRIP1 is on the minus strand). VCF-style: chr17-61780289-T-A. GRCh37 (hg19) VCF-style: chr17-59857650-T-A.
Other names: short protein forms E636V.
Identifiers: ClinVar variation 2586887 (VCV002586887.2), dbSNP rs2145075714, ClinGen allele CA400479258.